The following is an entry in ClinVar:

ClinVar aggregate classification (germline): Uncertain significance. Review status: criteria provided, multiple submitters, no conflicts (2 of 4 stars). 3 submissions from 3 submitters: Uncertain significance (3). Last evaluated 2024-05-21.

Conditions:
Tyrosinase-positive oculocutaneous albinism (OCA2). Also called: Albinism, oculocutaneous, type II; ALBINISM II; Oculocutaneous albinism type 2. Identifiers: Orphanet 79432, MedGen C0268495, MONDO:0008746, OMIM 203200.

Allele frequency attached by ClinVar (database versions not stated): TOPMed 0.00033; 1000 Genomes Project 0.00040; 1000 Genomes Project 30x 0.00047; ESP Exome Variant Server 0.00062.
gnomAD v4.1: 89 of 1,614,002 alleles (0.0055%); highest among the groups gnomAD compares: African/African-American, 0.11%; no homozygotes.

Submissions (3):

Blueprint Genetics
Classification: Uncertain significance. Last evaluated: 2024-05-21. Review status: criteria provided, single submitter. Criteria: ACMG Guidelines, 2015. Collection method: clinical testing. Allele origin: germline.

Labcorp Genetics (formerly Invitae), Labcorp
Classification: Uncertain significance. Last evaluated: 2024-01-29. Review status: criteria provided, single submitter. Criteria: Invitae Variant Classification Sherloc (09022015). Collection method: clinical testing. Allele origin: germline.
Comment: This sequence change replaces leucine, which is neutral and non-polar, with methionine, which is neutral and non-polar, at codon 763 of the OCA2 protein (p.Leu763Met). This variant is present in population databases (rs139837760, gnomAD 0.1%). This variant has not been reported in the literature in individuals affected with OCA2-related conditions. ClinVar contains an entry for this variant (Variation ID: 886068). Advanced modeling of protein sequence and biophysical properties (such as structural, functional, and spatial information, amino acid conservation, physicochemical variation, residue mobility, and thermodynamic stability) has been performed at Invitae for this missense variant, however the output from this modeling did not meet the statistical confidence thresholds required to predict the impact of this variant on OCA2 protein function. In summary, the available evidence is currently insufficient to determine the role of this variant in disease. Therefore, it has been classified as a Variant of Uncertain Significance.

Illumina Laboratory Services, Illumina
Classification: Uncertain significance for Tyrosinase-positive oculocutaneous albinism. Last evaluated: 2017-04-28. Review status: criteria provided, single submitter. Criteria: ICSL Variant Classification Criteria 13 December 2019. Collection method: clinical testing. Allele origin: germline.

NM_000275.3(OCA2):c.2287C>A (p.Leu763Met)

Gene: OCA2 (OCA2 melanosomal transmembrane protein; minus strand). Cytogenetic location: 15q13.1.
Variant type: single nucleotide variant.
Coding change: c.2287C>A on transcript NM_000275.3 (MANE Select); coding-DNA position 2287, C replaced by A.
Protein change: p.Leu763Met; replaces leucine 763 with methionine.
Molecular consequence: missense variant.
Genome position (GRCh38, 1-based): chr15:27,851,433, G>T on the plus strand (C>A on the coding strand, the complement: OCA2 is on the minus strand). VCF-style: chr15-27851433-G-T. GRCh37 (hg19) VCF-style: chr15-28096579-G-T.
Other names: c.2215C>A, p.Leu739Met (NM_001300984.2); short protein forms L739M, L763M.
Identifiers: ClinVar variation 886068 (VCV000886068.10), dbSNP rs139837760, ClinGen allele CA7438656.